The following is an entry in ClinVar:

NM_002519.3(NPAT):c.190A>C (p.Asn64His)

Gene: NPAT (nuclear protein, coactivator of histone transcription; minus strand). Cytogenetic location: 11q22.3.
Variant type: single nucleotide variant.
Coding change: c.190A>C on transcript NM_002519.3 (MANE Select); coding-DNA position 190, A replaced by C.
Protein change: p.Asn64His; replaces asparagine 64 with histidine.
Molecular consequence: missense variant.
Genome position (GRCh38, 1-based): chr11:108,193,984, T>G on the plus strand (A>C on the coding strand, the complement: NPAT is on the minus strand). VCF-style: chr11-108193984-T-G. GRCh37 (hg19) VCF-style: chr11-108064711-T-G.
Other names: c.190A>C, p.Asn64His (NM_001321307.1); short protein forms N64H.
Identifiers: ClinVar variation 2453750 (VCV002453750.2), dbSNP rs2496754435, ClinGen allele CA382526825.

ClinVar aggregate classification (germline): Uncertain significance (1 of 4 stars; one submission).

Submission:

Ambry Genetics
Classification: Uncertain significance. Last evaluated: 2022-12-09. Review status: criteria provided, single submitter. Criteria: Ambry Variant Classification Scheme 2023. Collection method: clinical testing. Allele origin: germline.
Comment: The p.N64H variant (also known as c.190A>C), located in coding exon 3 of the NPAT gene, results from an A to C substitution at nucleotide position 190. The asparagine at codon 64 is replaced by histidine, an amino acid with similar properties. This amino acid position is conserved. In addition, this alteration is predicted to be tolerated by in silico analysis. Since supporting evidence is limited at this time, the clinical significance of this alteration remains unclear.